The following is an entry in ClinVar:

NM_001005373.4(LRSAM1):c.261T>G (p.Asp87Glu)

Gene: LRSAM1 (leucine rich repeat and sterile alpha motif containing 1; plus strand). Cytogenetic location: 9q33.3.
Variant type: single nucleotide variant.
Coding change: c.261T>G on transcript NM_001005373.4 (MANE Select); coding-DNA position 261, T replaced by G.
Protein change: p.Asp87Glu; replaces aspartic acid 87 with glutamic acid.
Molecular consequence: missense variant. On other transcripts: 5 prime UTR variant (1), non-coding transcript variant (2).
Genome position (GRCh38, 1-based): chr9:127,459,011, T>G. VCF-style: chr9-127459011-T-G. GRCh37 (hg19) VCF-style: chr9-130221290-T-G.
Other names: c.261T>G, p.Asp87Glu (NM_001005374.4, NM_001190723.3, NM_001384142.1 and 2 more transcripts); c.-524T>G (NM_001384144.1); c.261T>G (NM_138361.4); short protein forms D87E.
Identifiers: ClinVar variation 424324 (VCV000424324.12), dbSNP rs746714138, ClinGen allele CA5246480.

ClinVar aggregate classification (germline): Uncertain significance. Review status: criteria provided, multiple submitters, no conflicts (2 of 4 stars). 4 submissions from 4 submitters: Uncertain significance (4). Last evaluated 2025-11-21.

Conditions:
LRSAM1-related disorder. Also called: LRSAM1-related condition.
Inborn genetic diseases. Identifiers: MedGen C0950123, MeSH D030342.
Charcot-Marie-Tooth disease axonal type 2P. Also called: CHARCOT-MARIE-TOOTH NEUROPATHY, TYPE 2P; CHARCOT-MARIE-TOOTH DISEASE, AXONAL, TYPE 2G; CMT 2G; Charcot-Marie-Tooth Neuropathy Type 2G. Identifiers: Orphanet 300319, Orphanet 99941, MedGen C3280797, MONDO:0013753, OMIM 614436.

Allele frequency attached by ClinVar (database versions not stated): gnomAD 0.00001; gnomAD exomes 0.00001 and 0.00002; ExAC 0.00002; TOPMed 0.00009.
gnomAD v4.1: 18 of 1,613,526 alleles (0.0011%); highest among the groups gnomAD compares: East Asian, 0.0067%; no homozygotes.

Submissions (4):

PreventionGenetics, part of Exact Sciences
Classification: Uncertain significance for LRSAM1-related condition. Last evaluated: 2025-11-21. Review status: criteria provided, single submitter. Criteria: ACMG Guidelines, 2015. Collection method: clinical testing. Allele origin: germline.
Comment: The LRSAM1 c.261T>G variant is predicted to result in the amino acid substitution p.Asp87Glu. To our knowledge, this variant has not been reported in the literature. This variant is reported in 0.020% of alleles in individuals of East Asian descent in gnomAD. At this time, the clinical significance of this variant is uncertain due to the absence of conclusive functional and genetic evidence.

Labcorp Genetics (formerly Invitae), Labcorp
Classification: Uncertain significance for Charcot-Marie-Tooth disease axonal type 2P. Last evaluated: 2025-10-01. Review status: criteria provided, single submitter. Criteria: Invitae Variant Classification Sherloc (09022015). Collection method: clinical testing. Allele origin: germline.
Comment: This sequence change replaces aspartic acid, which is acidic and polar, with glutamic acid, which is acidic and polar, at codon 87 of the LRSAM1 protein (p.Asp87Glu). This variant is present in population databases (rs746714138, gnomAD 0.02%). This variant has not been reported in the literature in individuals affected with LRSAM1-related conditions. ClinVar contains an entry for this variant (Variation ID: 424324). Invitae Evidence Modeling of protein sequence and biophysical properties (such as structural, functional, and spatial information, amino acid conservation, physicochemical variation, residue mobility, and thermodynamic stability) indicates that this missense variant is expected to disrupt LRSAM1 protein function with a positive predictive value of 80%. In summary, the available evidence is currently insufficient to determine the role of this variant in disease. Therefore, it has been classified as a Variant of Uncertain Significance.

Ambry Genetics
Classification: Uncertain significance for Inborn genetic diseases. Last evaluated: 2023-12-15. Review status: criteria provided, single submitter. Criteria: Ambry Variant Classification Scheme 2023. Collection method: clinical testing. Allele origin: germline.

GeneDx
Classification: Uncertain significance. Last evaluated: 2017-03-17. Review status: criteria provided, single submitter. Criteria: GeneDx Variant Classification (06012015). Collection method: clinical testing. Allele origin: germline. Affected: yes.
Comment: A variant of uncertain significance has been identified in the LRSAM1 gene. The D87E variant has not been published as a pathogenic variant, nor has it been reported as a benign variant to our knowledge. The D87E variant is not observed at a significant frequency in large population cohorts (Lek et al., 2016; 1000 Genomes Consortium et al., 2015; Exome Variant Server). This substitution occurs at a position that is conserved in mammals. In silico analysis predicts this variant is probably damaging to the protein structure/function. However, the D87E variant is a conservative amino acid substitution, which is not likely to impact secondary protein structure as these residues share similar properties. Therefore, based on the currently available information, it is unclear whether this variant is a pathogenic variant or a rare benign variant.